The following is an entry in ClinVar:

ClinVar aggregate classification (germline): Pathogenic (1 of 4 stars; one submission).

Conditions:
Intellectual developmental disorder, autosomal dominant 73 (MRD73). Also called: TAF4-RELATED NDD; TAF4-RELATED NEURODEVELOPMENTAL DISORDER. Identifiers: MedGen C5830636, MONDO:0957536, OMIM 620450.

Submission:

Institute of Human Genetics, University of Leipzig Medical Center
Classification: Pathogenic for Intellectual developmental disorder, autosomal dominant 73. Last evaluated: 2026-01-20. Review status: criteria provided, single submitter. Criteria: ACMG Guidelines, 2015. Collection method: clinical testing. Allele origin: unknown. Inheritance: Autosomal dominant inheritance. Affected: yes.
Comment: Criteria applied: PVS1,PM2

NM_003185.4(TAF4):c.633dup (p.Ala212fs)

Gene: TAF4 (TATA-box binding protein associated factor 4; minus strand). Cytogenetic location: 20q13.33.
Variant type: Duplication.
Coding change: c.633dup on transcript NM_003185.4 (MANE Select); coding-DNA position 633, one base duplicated (C; older notation c.633dupC).
Protein change: p.Ala212fs; shifts the reading frame from alanine 212.
Molecular consequence: frameshift variant.
Genome position (GRCh38, 1-based): chr20:62,065,178, G duplicated on the plus strand (C on the coding strand, the reverse complement: TAF4 is on the minus strand); the first of 2 consecutive G bases (chr20:62,065,178-62,065,179); duplicating either gives the same sequence. VCF-style (leftmost placement, unchanged base first): chr20-62065177-C-CG. GRCh37 (hg19) VCF-style: chr20-60640233-C-CG.
Other names: short protein forms A212fs.
Identifiers: ClinVar variation 4819103 (VCV004819103.1).